The following is an entry in ClinVar:

NM_006121.4(KRT1):c.574G>C (p.Ala192Pro)

Gene: KRT1 (keratin 1; minus strand). Cytogenetic location: 12q13.13.
Variant type: single nucleotide variant.
Coding change: c.574G>C on transcript NM_006121.4 (MANE Select); coding-DNA position 574, G replaced by C.
Protein change: p.Ala192Pro; replaces alanine 192 with proline.
Molecular consequence: missense variant.
Genome position (GRCh38, 1-based): chr12:52,679,775, C>G on the plus strand (G>C on the coding strand, the complement: KRT1 is on the minus strand). VCF-style: chr12-52679775-C-G. GRCh37 (hg19) VCF-style: chr12-53073559-C-G.
Other names: short protein forms A192P.
Identifiers: ClinVar variation 432026 (VCV000432026.2), dbSNP rs1555171527, ClinGen allele CA384974825.

ClinVar aggregate classification (germline): Likely pathogenic (1 of 4 stars; one submission).

Submission:

GeneDx
Classification: Likely pathogenic. Last evaluated: 2015-11-19. Review status: criteria provided, single submitter. Criteria: GeneDx Variant Classification (06012015). Collection method: clinical testing. Allele origin: germline. Affected: yes.
Comment: The A192P variant has not been published as a pathogenic variant, nor has it been reported as a benign variant. The A192P variant was not observed in approximately 6,500 individuals of European and African American ancestry in the NHLBI Exome Sequencing Project, indicating it is not a common benign variant in these populations. It is a semi-conservative amino acid substitution, which may impact secondary protein structure as these residues differ in some properties, and in silico analysis predicts this variant is probably damaging to the protein structure/function. This substitution occurs within a known mutational hotspot region (helix initiation motif) that is highly conserved across all species and among all members of the keratin family. Many other pathogenic variants in patients with epidermolytic ichthyosis have been reported in nearby residues (L187F, N188S/T/K, F191I/C, S193S) according to the Human Gene Mutation Database (Stenson et al., 2014). It is well established that keratin gene mutations affecting the residues at the ends of the central rod domains of the keratin proteins (helix initiation and termination motifs) interfere with proper keratin intermediate filament assembly and function, resulting in skin fragility and/or hyperkeratosis (Chamcheu et al., 2011). Therefore, A192P is likely pathogenic